The following is an entry in ClinVar:

NM_000548.5(TSC2):c.3794C>T (p.Pro1265Leu)

Gene: TSC2 (TSC complex subunit 2; plus strand). Cytogenetic location: 16p13.3.
Variant type: single nucleotide variant.
Coding change: c.3794C>T on transcript NM_000548.5 (MANE Select); coding-DNA position 3794, C replaced by T.
Protein change: p.Pro1265Leu; replaces proline 1265 with leucine.
Molecular consequence: missense variant.
Genome position (GRCh38, 1-based): chr16:2,081,778, C>T. VCF-style: chr16-2081778-C-T. GRCh37 (hg19) VCF-style: chr16-2131779-C-T.
Other names: c.3665C>T, p.Pro1222Leu (NM_021055.3, NM_001363528.2, NM_001370405.1); c.3794C>T (NM_000548.3); c.3662C>T, p.Pro1221Leu (NM_001077183.3, NM_001370404.1); c.3794C>T, p.Pro1265Leu (NM_001114382.3); c.3554C>T, p.Pro1185Leu (NM_001318827.2); c.3518C>T, p.Pro1173Leu (NM_001318829.2); c.3062C>T, p.Pro1021Leu (NM_001318831.2); c.3695C>T, p.Pro1232Leu (NM_001318832.2); short protein forms P1021L, P1221L, P1222L, P1185L, P1265L, P1232L, P1173L.
Identifiers: ClinVar variation 1509577 (VCV001509577.9), dbSNP rs1424206593, ClinGen allele CA394293542.

ClinVar aggregate classification (germline): Conflicting classifications of pathogenicity. Review status: criteria provided, conflicting classifications (1 of 4 stars). 2 submissions from 2 submitters: Uncertain significance (1); Benign (1). Last evaluated 2026-05-29.

Conditions:
Tuberous sclerosis 2 (TSC2). Identifiers: Orphanet 805, MedGen C1860707, MONDO:0013199, OMIM 613254.
Hereditary cancer-predisposing syndrome. Also called: Tumor predisposition; Neoplastic Syndromes, Hereditary; Hereditary Cancer Syndrome; Hereditary neoplastic syndrome. Identifiers: Orphanet 140162, MedGen C0027672, MeSH D009386, MONDO:0015356.

Allele frequency attached by ClinVar (database versions not stated): gnomAD exomes below 0.00001.
gnomAD v4.1: 2 of 1,612,484 alleles (0.00012%); highest among the groups gnomAD compares: Non-Finnish European, 0.00017%; no homozygotes.

Submissions (2):

Ambry Genetics
Classification: Uncertain significance for Hereditary cancer-predisposing syndrome. Last evaluated: 2026-05-29. Review status: criteria provided, single submitter. Criteria: Ambry Variant Classification Scheme 2023. Collection method: clinical testing. Allele origin: germline.
Comment: The p.P1265L variant (also known as c.3794C>T), located in coding exon 30 of the TSC2 gene, results from a C to T substitution at nucleotide position 3794. The proline at codon 1265 is replaced by leucine, an amino acid with similar properties. This amino acid position is not well conserved in available vertebrate species. In addition, this alteration is predicted to be tolerated by in silico analysis. Based on the available evidence, the clinical significance of this variant remains unclear.

Labcorp Genetics (formerly Invitae), Labcorp
Classification: Benign for Tuberous sclerosis 2. Last evaluated: 2025-11-24. Review status: criteria provided, single submitter. Criteria: Invitae Variant Classification Sherloc (09022015). Collection method: clinical testing. Allele origin: germline.